The following is an entry in ClinVar:

ClinVar aggregate classification (germline): Likely pathogenic (1 of 4 stars; one submission).

Conditions:
Childhood Onset VCP-related Neurodevelopmental Disorder.

Submission:

The Division of Genetics and Genomic Medicine, Washington University School of Medicine
Classification: Likely pathogenic for Childhood Onset VCP-related Neurodevelopmental Disorder. Last evaluated: 2023-09-01. Review status: criteria provided, single submitter. Criteria: ACMG Guidelines, 2015. Collection method: clinical testing. Allele origin: de novo. Affected: yes. Observed: 1 variant allele.
Comment: It is not present in gnomAD and is predicted to be deleterious by multiple algorithms (REVEL score 0.84). In vitro ATPase assays show this variant has decreased ATPase activity compared to wildtype (Mah-Som et al, 2023).

NM_007126.5(VCP):c.753G>T (p.Lys251Asn)

Gene: VCP (valosin containing protein; minus strand). Cytogenetic location: 9p13.3.
Variant type: single nucleotide variant.
Coding change: c.753G>T on transcript NM_007126.5 (MANE Select); coding-DNA position 753, G replaced by T.
Protein change: p.Lys251Asn; replaces lysine 251 with asparagine.
Molecular consequence: missense variant.
Genome position (GRCh38, 1-based): chr9:35,063,036, C>A on the plus strand (G>T on the coding strand, the complement: VCP is on the minus strand). VCF-style: chr9-35063036-C-A. GRCh37 (hg19) VCF-style: chr9-35063033-C-A.
Other names: NP_009057.1:p.Lys251Asn; c.618G>T, p.Lys206Asn (NM_001354927.2, NM_001354928.2); short protein forms K206N, K251N.
Identifiers: ClinVar variation 2582678 (VCV002582678.1), dbSNP rs2490360271, ClinGen allele CA373286472.
Genomic context (GRCh38, chr9:35,063,036, plus strand): 5'-ACCATTGATCAAGAAGAAGAAGGCTCCAGTCTCATTTGCTACAGCTCGAGCAATCAGGGT[C>A]TTTCCTGTTCCAGGAGGTCCGTAAAGCAGGATTCCTCTAGGAGGCTGTGGACCAATGCAG-3'
Protein context (NP_009057.1, residues 241-261): ILLYGPPGTG[Lys251Asn]TLIARAVANE